The following is an entry in ClinVar:

ClinVar aggregate classification (germline): Likely benign. Review status: criteria provided, multiple submitters, no conflicts (2 of 4 stars). 2 submissions from 2 submitters: Likely benign (2). Last evaluated 2025-12-22.

Conditions:
Catecholaminergic polymorphic ventricular tachycardia 1. Also called: VENTRICULAR TACHYCARDIA, STRESS-INDUCED POLYMORPHIC 1; RYR2-Related Catecholaminergic Polymorphic Ventricular Tachycardia; VENTRICULAR TACHYCARDIA, CATECHOLAMINERGIC POLYMORPHIC, 1, WITH OR WITHOUT ATRIAL DYSFUNCTION AND/OR DILATED CARDIOMYOPATHY. Identifiers: Orphanet 3286, MedGen C1631597, MONDO:0011484, OMIM 604772.
Catecholaminergic polymorphic ventricular tachycardia (CVPT). Also called: Catecholamine-induced polymorphic ventricular tachycardia. Identifiers: Orphanet 3286, MedGen C5574922, MONDO:0017990.

Allele frequency attached by ClinVar (database versions not stated): ExAC 0.00001.
gnomAD v4.1: 2 of 1,613,578 alleles (0.00012%); highest among the groups gnomAD compares: South Asian, 0.0011%; no homozygotes.

Submissions (2):

Labcorp Genetics (formerly Invitae), Labcorp
Classification: Likely benign for Catecholaminergic polymorphic ventricular tachycardia 1. Last evaluated: 2025-12-22. Review status: criteria provided, single submitter. Criteria: Invitae Variant Classification Sherloc (09022015). Collection method: clinical testing. Allele origin: germline.

All of Us Research Program, National Institutes of Health
Classification: Likely benign for Catecholaminergic polymorphic ventricular tachycardia. Last evaluated: 2023-12-13. Review status: criteria provided, single submitter. Criteria: ACMG Guidelines, 2015. Collection method: clinical testing. Allele origin: germline. Inheritance: Autosomal dominant inheritance. Observed: 1 variant allele, 1 heterozygote.
Comment: This study involves interpretation of variants in research participants for the purpose of population health screening. Participant phenotype was not available at the time of variant classification. Additional details can be found in publication PMID: 35346344, PMCID: PMC8962531

NM_001035.3(RYR2):c.12741G>A (p.Ala4247=)

Genes: RYR2 (ryanodine receptor 2; plus strand), LOC126806068 (BRD4-independent group 4 enhancer GRCh37_chr1:237947411-237948610; plus strand). Cytogenetic location: 1q43.
Variant type: single nucleotide variant.
Coding change: c.12741G>A on transcript NM_001035.3 (MANE Select); coding-DNA position 12741, G replaced by A.
Protein change: p.Ala4247=; no amino-acid change (alanine 4247 retained).
Molecular consequence: synonymous variant.
Genome position (GRCh38, 1-based): chr1:237,784,453, G>A. VCF-style: chr1-237784453-G-A. GRCh37 (hg19) VCF-style: chr1-237947753-G-A.
Identifiers: ClinVar variation 1572140 (VCV001572140.10), dbSNP rs753089069, ClinGen allele CA085225.